The following is an entry in ClinVar:

ClinVar aggregate classification (germline): Uncertain significance (1 of 4 stars; one submission).

Conditions:
Congenital insensitivity to pain-hypohidrosis syndrome. Also called: HSAN VIII; Neuropathy, hereditary sensory and autonomic, type VIII. Identifiers: Orphanet 478664, MedGen C4225308, MONDO:0014662, OMIM 616488.

Submission:

Labcorp Genetics (formerly Invitae), Labcorp
Classification: Uncertain significance for Congenital insensitivity to pain-hypohidrosis syndrome. Last evaluated: 2019-04-22. Review status: criteria provided, single submitter. Criteria: Invitae Variant Classification Sherloc (09022015). Collection method: clinical testing. Allele origin: germline.
Comment: In summary, the available evidence is currently insufficient to determine the role of this variant in disease. Therefore, it has been classified as a Variant of Uncertain Significance. Experimental studies and prediction algorithms are not available for this variant, and the functional significance of the affected amino acid(s) is currently unknown. This variant has not been reported in the literature in individuals with PRDM12-related conditions. The frequency data for this variant in the population databases is considered unreliable, as metrics indicate insufficient coverage at this position in the ExAC database. This variant, c.1049_1050insTGC, results in the insertion of 1 amino acid(s) to the PRDM12 protein (p.Ala359dup), but otherwise preserves the integrity of the reading frame.

NM_021619.3(PRDM12):c.1049_1050insTGC (p.Ala359dup)

Gene: PRDM12 (PR/SET domain 12; plus strand). Cytogenetic location: 9q34.12.
Variant type: Insertion.
Coding change: c.1049_1050insTGC on transcript NM_021619.3 (MANE Select); coding-DNA positions 1049 to 1050, TGC inserted.
Protein change: p.Ala359dup; duplicates alanine 359.
Molecular consequence: inframe insertion.
Genome position: GRCh38 VCF-style: chr9-130681612-C-CGCT. GRCh37 (hg19) VCF-style: chr9-133556999-C-CGCT.
Identifiers: ClinVar variation 950694 (VCV000950694.6), dbSNP rs1830904424, ClinGen allele CA1139661252.